The following is an entry in ClinVar:

ClinVar aggregate classification (germline): not provided (0 of 4 stars; one submission).

Allele frequency attached by ClinVar (database versions not stated): 1000 Genomes Project 30x 0.21611; gnomAD 0.25296 and 0.25007; 1000 Genomes Project 0.21805; TOPMed 0.24059.

Submission:

ZMPSTE24 homepage - Leiden Muscular Dystrophy pages
No classification provided. Review status: no classification provided. Collection method: not provided. Allele origin: germline.
Comment: no known functional consequence

NM_005857.3(ZMPSTE24):c.-1149G>A

Gene: ZMPSTE24 (zinc metallopeptidase STE24; plus strand). Cytogenetic location: 1p34.2.
Variant type: single nucleotide variant.
Coding change: c.-1149G>A on transcript NM_005857.3; 1149 bases upstream of the start codon, G replaced by A.
Genome position (GRCh38, 1-based): chr1:40,257,123, G>A. VCF-style: chr1-40257123-G-A. GRCh37 (hg19) VCF-style: chr1-40722795-G-A.
Identifiers: ClinVar variation 140502 (VCV000140502.3), dbSNP rs926830, ClinGen allele CA232709.